The following is an entry in ClinVar:

NM_001079843.3(CASZ1):c.3386T>C (p.Met1129Thr)

Gene: CASZ1 (castor zinc finger 1; minus strand). Cytogenetic location: 1p36.22.
Variant type: single nucleotide variant.
Coding change: c.3386T>C on transcript NM_001079843.3 (MANE Select); coding-DNA position 3386, T replaced by C.
Protein change: p.Met1129Thr; replaces methionine 1129 with threonine.
Molecular consequence: missense variant.
Genome position (GRCh38, 1-based): chr1:10,647,912, A>G on the plus strand (T>C on the coding strand, the complement: CASZ1 is on the minus strand). VCF-style: chr1-10647912-A-G. GRCh37 (hg19) VCF-style: chr1-10707969-A-G.
Other names: c.3386T>C, p.Met1129Thr (NM_017766.5); short protein forms M1129T.
Identifiers: ClinVar variation 4698822 (VCV004698822.1).

ClinVar aggregate classification (germline): Uncertain significance (1 of 4 stars; one submission).

Submission:

Labcorp Genetics (formerly Invitae), Labcorp
Classification: Uncertain significance. Last evaluated: 2025-12-28. Review status: criteria provided, single submitter. Criteria: Invitae Variant Classification Sherloc (09022015). Collection method: clinical testing. Allele origin: germline.
Comment: This sequence change replaces methionine, which is neutral and non-polar, with threonine, which is neutral and polar, at codon 1129 of the CASZ1 protein (p.Met1129Thr). This variant is present in population databases (no rsID available, gnomAD 0.003%). This variant has not been reported in the literature in individuals affected with CASZ1-related conditions. An algorithm developed to predict the effect of missense changes on protein structure and function (PolyPhen-2) suggests that this variant is likely to be tolerated. In summary, the available evidence is currently insufficient to determine the role of this variant in disease. Therefore, it has been classified as a Variant of Uncertain Significance.